The following is an entry in ClinVar:

NM_016507.4(CDK12):c.419C>G (p.Ser140Trp)

Genes: CDK12 (cyclin dependent kinase 12; plus strand), LOC126862553 (CDK7 strongly-dependent group 2 enhancer GRCh37_chr17:37618166-37619365; plus strand). Cytogenetic location: 17q12.
Variant type: single nucleotide variant.
Coding change: c.419C>G on transcript NM_016507.4 (MANE Select); coding-DNA position 419, C replaced by G.
Protein change: p.Ser140Trp; replaces serine 140 with tryptophan.
Molecular consequence: missense variant.
Genome position (GRCh38, 1-based): chr17:39,462,490, C>G. VCF-style: chr17-39462490-C-G. GRCh37 (hg19) VCF-style: chr17-37618743-C-G.
Other names: c.419C>G, p.Ser140Trp (NM_015083.4); short protein forms S140W.
Identifiers: ClinVar variation 4868497 (VCV004868497.1).
Genomic context (GRCh38, chr17:39,462,490, plus strand): 5'-GGGACTTACTAAAAGCTAAACAGACCGAAAAAGAAAAAAGCCAAGAAGTCTCCAGCAAGT[C>G]GGGATCGATGAAGGACCGGATATCGGGAAGTTCAAAGCGTTCGAATGAGGAGACTGATGA-3'
Protein context (NP_057591.2, residues 130-150): KEKSQEVSSK[Ser140Trp]GSMKDRISGS

ClinVar aggregate classification (germline): Uncertain significance (1 of 4 stars; one submission).

gnomAD v4.1: 1 of 1,614,052 alleles (0.000062%); highest among the groups gnomAD compares: African/African-American, 0.0013%; no homozygotes.

Submission:

Ambry Genetics
Classification: Uncertain significance. Last evaluated: 2026-04-20. Review status: criteria provided, single submitter. Criteria: Ambry Variant Classification Scheme 2023. Collection method: clinical testing. Allele origin: germline.
Comment: The p.S140W variant (also known as c.419C>G), located in coding exon 1 of the CDK12 gene, results from a C to G substitution at nucleotide position 419. The serine at codon 140 is replaced by tryptophan, an amino acid with highly dissimilar properties. This amino acid position is conserved. In addition, this alteration is predicted to be tolerated by in silico analysis. Based on the available evidence, the clinical significance of this variant remains unclear.